The following is an entry in ClinVar:

ClinVar aggregate classification (germline): Pathogenic. Review status: criteria provided, multiple submitters, no conflicts (2 of 4 stars). 2 submissions from 2 submitters: Pathogenic (2). Last evaluated 2024-12-12.

Submissions (2):

GeneDx
Classification: Pathogenic. Last evaluated: 2024-12-12. Review status: criteria provided, single submitter. Criteria: GeneDx Variant Classification Process June 2021. Collection method: clinical testing. Allele origin: germline. Affected: yes.
Comment: Nonsense variant predicted to result in protein truncation, as the last 54 amino acids are lost, and other loss-of-function variants have been reported downstream in HGMD; Not observed at significant frequency in large population cohorts (gnomAD); Has not been previously published as pathogenic or benign to our knowledge

Labcorp Genetics (formerly Invitae), Labcorp
Classification: Pathogenic. Last evaluated: 2021-09-02. Review status: criteria provided, single submitter. Criteria: Invitae Variant Classification Sherloc (09022015). Collection method: clinical testing. Allele origin: germline.

NM_006852.6(TLK2):c.2089C>T (p.Arg697Ter)

Gene: TLK2 (tousled like kinase 2; plus strand). Cytogenetic location: 17q23.2.
Variant type: single nucleotide variant.
Coding change: c.2089C>T on transcript NM_006852.6 (MANE Select); coding-DNA position 2089, C replaced by T.
Protein change: p.Arg697Ter; replaces arginine 697 with a stop codon.
Molecular consequence: nonsense.
Genome position (GRCh38, 1-based): chr17:62,612,401, C>T. VCF-style: chr17-62612401-C-T. GRCh37 (hg19) VCF-style: chr17-60689762-C-T.
Other names: c.2155C>T, p.Arg719Ter (NM_001284333.3); c.1993C>T, p.Arg665Ter (NM_001284363.1, NM_001375272.1); c.1642C>T, p.Arg548Ter (NM_001330418.3, NM_001375273.1); c.2131C>T, p.Arg711Ter (NM_001375269.1); c.2089C>T, p.Arg697Ter (NM_001375270.1, NM_001375271.1); short protein forms R697*, R719*, R548*, R665*, R711*.
Identifiers: ClinVar variation 620238 (VCV000620238.6), dbSNP rs1568027692, ClinGen allele CA400516140.
Genomic context (GRCh38, chr17:62,612,401, plus strand): 5'-CAGGGGTGCCAAGACTATCTGCCTCTGTCTTCAAGAAACTCTCCTTTGCAGGCGTTTATT[C>T]GACGATGCTTGGCCTACCGAAAGGAGGACCGCATTGATGTCCAGCAGCTGGCCTGTGATC-3'